The following is an entry in ClinVar:

NM_005120.3(MED12):c.2545T>C (p.Ser849Pro)

Gene: MED12 (mediator complex subunit 12; plus strand). Cytogenetic location: Xq13.1.
Variant type: single nucleotide variant.
Coding change: c.2545T>C on transcript NM_005120.3 (MANE Select); coding-DNA position 2545, T replaced by C.
Protein change: p.Ser849Pro; replaces serine 849 with proline.
Molecular consequence: missense variant.
Genome position (GRCh38, 1-based): chrX:71,126,344, T>C. VCF-style: chrX-71126344-T-C. GRCh37 (hg19) VCF-style: chrX-70346194-T-C.
Other names: short protein forms S849P.
Identifiers: ClinVar variation 431098 (VCV000431098.2), dbSNP rs1135401775, ClinGen allele CA413515683.

ClinVar aggregate classification (germline): Uncertain significance (1 of 4 stars; one submission).

Conditions:
X-linked intellectual disability with marfanoid habitus. Also called: Lujan Syndrome; X-linked mental retardation with marfanoid habitus syndrome; INTELLECTUAL DEVELOPMENTAL DISORDER, X-LINKED, SYNDROMIC, LUJAN-FRYNS TYPE; Lujan Syndrome (LS). Identifiers: Orphanet 776, MedGen C0796022, MONDO:0010655, OMIM 309520.
FG syndrome 1 (OKS). Also called: OPITZ-KAVEGGIA SYNDROME; KELLER SYNDROME; MENTAL RETARDATION, LARGE HEAD, IMPERFORATE ANUS, CONGENITAL HYPOTONIA, AND PARTIAL AGENESIS OF CORPUS CALLOSUM; FG Syndrome Type 1 (FGS1). Identifiers: Orphanet 93932, MedGen C5399762, MONDO:0010590, OMIM 305450.
Blepharophimosis - intellectual disability syndrome, MKB type. Also called: X-Linked Ohdo Syndrome (XLOS); BLEPHAROPHIMOSIS-MENTAL RETARDATION SYNDROME, MAAT-KIEVIT-BRUNNER TYPE; Ohdo syndrome, X-linked. Identifiers: Orphanet 293707, MedGen C3698541, MONDO:0010477, OMIM 300895.

Submission:

Institute of Human Genetics, FAU Erlangen, Friedrich-Alexander-Universität Erlangen-Nürnberg
Classification: Uncertain significance for X-linked intellectual disability with marfanoid habitus; Blepharophimosis - intellectual disability syndrome, MKB type; FG syndrome 1. Last evaluated: 2017-08-01. Review status: criteria provided, single submitter. Criteria: ACMG Guidelines, 2015. Collection method: clinical testing. Allele origin: de novo. Inheritance: Sporadic. Affected: yes. Observed: 1 variant allele, 1 heterozygote.
Comment: Mutations in MED12 have been reported with different, syndromic X-linked recessive ID disorders . In the light of the recent identification of de novo mutations in initially X-linked recessive genes in severely affected females this variant might be pathogenic in a girl, but remains unclear at the moment.